The following is an entry in ClinVar:

ClinVar aggregate classification (germline): Uncertain significance (1 of 4 stars; one submission).

Conditions:
Werner syndrome (WRN). Identifiers: Orphanet 902, MedGen C0043119, MONDO:0010196, OMIM 277700.

Allele frequency attached by ClinVar (database versions not stated): gnomAD exomes below 0.00001; TOPMed below 0.00001; gnomAD 0.00001.
gnomAD v4.1: 3 of 1,612,662 alleles (0.00019%); highest among the groups gnomAD compares: African/African-American, 0.0027%; no homozygotes.

Submission:

Labcorp Genetics (formerly Invitae), Labcorp
Classification: Uncertain significance for Werner syndrome. Last evaluated: 2020-09-11. Review status: criteria provided, single submitter. Criteria: Invitae Variant Classification Sherloc (09022015). Collection method: clinical testing. Allele origin: germline.
Comment: In summary, the available evidence is currently insufficient to determine the role of this variant in disease. Therefore, it has been classified as a Variant of Uncertain Significance. Algorithms developed to predict the effect of missense changes on protein structure and function are either unavailable or do not agree on the potential impact of this missense change (SIFT: "Not Available"; PolyPhen-2: "Benign"; Align-GVGD: "Not Available"). This variant has not been reported in the literature in individuals with WRN-related conditions. This variant is not present in population databases (ExAC no frequency). This sequence change replaces methionine with threonine at codon 899 of the WRN protein (p.Met899Thr). The methionine residue is moderately conserved and there is a moderate physicochemical difference between methionine and threonine.

NM_000553.6(WRN):c.2696T>C (p.Met899Thr)

Gene: WRN (WRN RecQ like helicase; plus strand). Cytogenetic location: 8p12.
Variant type: single nucleotide variant.
Coding change: c.2696T>C on transcript NM_000553.6 (MANE Select); coding-DNA position 2696, T replaced by C.
Protein change: p.Met899Thr; replaces methionine 899 with threonine.
Molecular consequence: missense variant.
Genome position (GRCh38, 1-based): chr8:31,124,587, T>C. VCF-style: chr8-31124587-T-C. GRCh37 (hg19) VCF-style: chr8-30982103-T-C.
Other names: short protein forms M899T.
Identifiers: ClinVar variation 1036272 (VCV001036272.3), dbSNP rs1177786753, ClinGen allele CA370916928.